The following is an entry in ClinVar:

ClinVar aggregate classification (germline): Uncertain significance. Review status: criteria provided, multiple submitters, no conflicts (2 of 4 stars). 3 submissions from 3 submitters: Uncertain significance (3). Last evaluated 2026-10-13.

Conditions:
Ehlers-Danlos syndrome, classic type, 1 (EDSCL1). Also called: Ehlers-Danlos syndrome, type 1; EHLERS-DANLOS SYNDROME, GRAVIS TYPE; EHLERS-DANLOS SYNDROME, SEVERE CLASSIC TYPE; Ehlers-Danlos Syndrome, Classic Type, COL5A1-Related; EDS I. Identifiers: MedGen C0268335, MONDO:0019567, OMIM 130000.
Familial thoracic aortic aneurysm and aortic dissection (TAAD). Also called: Thoracic aortic aneurysms and dissections. Identifiers: Orphanet 91387, MedGen C4707243, MONDO:0019625.

gnomAD v4.1: 4 of 1,613,910 alleles (0.00025%); highest among the groups gnomAD compares: Non-Finnish European, 0.00034%; no homozygotes.

Submissions (3):

GeneDx
Classification: Uncertain significance. Last evaluated: 2026-10-13. Review status: criteria provided, single submitter. Criteria: GeneDx Variant Classification Process June 2021. Collection method: clinical testing. Allele origin: germline.
Comment: Not observed at significant frequency in large population cohorts (gnomAD); In silico analysis supports that this missense variant has a deleterious effect on protein structure/function; Has not been previously published as pathogenic or benign to our knowledge

Labcorp Genetics (formerly Invitae), Labcorp
Classification: Uncertain significance for Ehlers-Danlos syndrome, classic type, 1. Last evaluated: 2025-06-22. Review status: criteria provided, single submitter. Criteria: Invitae Variant Classification Sherloc (09022015). Collection method: clinical testing. Allele origin: germline.
Comment: This sequence change replaces arginine, which is basic and polar, with serine, which is neutral and polar, at codon 952 of the COL5A2 protein (p.Arg952Ser). This variant is not present in population databases (gnomAD no frequency). This variant has not been reported in the literature in individuals affected with COL5A2-related conditions. ClinVar contains an entry for this variant (Variation ID: 213110). Invitae Evidence Modeling of protein sequence and biophysical properties (such as structural, functional, and spatial information, amino acid conservation, physicochemical variation, residue mobility, and thermodynamic stability) indicates that this missense variant is not expected to disrupt COL5A2 protein function with a negative predictive value of 80%. In summary, the available evidence is currently insufficient to determine the role of this variant in disease. Therefore, it has been classified as a Variant of Uncertain Significance.

Ambry Genetics
Classification: Uncertain significance for Familial thoracic aortic aneurysm and aortic dissection. Last evaluated: 2024-11-16. Review status: criteria provided, single submitter. Criteria: Ambry Variant Classification Scheme 2023. Collection method: clinical testing. Allele origin: germline.
Comment: The p.R952S variant (also known as c.2854C>A), located in coding exon 42 of the COL5A2 gene, results from a C to A substitution at nucleotide position 2854. The arginine at codon 952 is replaced by serine, an amino acid with dissimilar properties. This amino acid position is well conserved in available vertebrate species. In addition, the in silico prediction for this alteration is inconclusive. Based on the available evidence, the clinical significance of this variant remains unclear.

NM_000393.5(COL5A2):c.2854C>A (p.Arg952Ser)

Gene: COL5A2 (collagen type V alpha 2 chain; minus strand). Cytogenetic location: 2q32.2.
Variant type: single nucleotide variant.
Coding change: c.2854C>A on transcript NM_000393.5 (MANE Select); coding-DNA position 2854, C replaced by A.
Protein change: p.Arg952Ser; replaces arginine 952 with serine.
Molecular consequence: missense variant.
Genome position (GRCh38, 1-based): chr2:189,051,397, G>T on the plus strand (C>A on the coding strand, the complement: COL5A2 is on the minus strand). VCF-style: chr2-189051397-G-T. GRCh37 (hg19) VCF-style: chr2-189916123-G-T.
Other names: p.R952S:CGT>AGT; short protein forms R952S.
Identifiers: ClinVar variation 213110 (VCV000213110.5), dbSNP rs199530997, ClinGen allele CA319790.